The following is an entry in ClinVar:

ClinVar aggregate classification (germline): Uncertain significance (1 of 4 stars; one submission).

Allele frequency attached by ClinVar (database versions not stated): gnomAD exomes below 0.00001.
gnomAD v4.1: 1 of 1,608,160 alleles (0.000062%); highest among the groups gnomAD compares: Non-Finnish European, 0.000085%; no homozygotes.

Submission:

Labcorp Genetics (formerly Invitae), Labcorp
Classification: Uncertain significance. Last evaluated: 2022-11-10. Review status: criteria provided, single submitter. Criteria: Invitae Variant Classification Sherloc (09022015). Collection method: clinical testing. Allele origin: germline.
Comment: This sequence change replaces proline, which is neutral and non-polar, with serine, which is neutral and polar, at codon 768 of the REST protein (p.Pro768Ser). This variant is not present in population databases (gnomAD no frequency). This variant has not been reported in the literature in individuals affected with REST-related conditions. Algorithms developed to predict the effect of missense changes on protein structure and function output the following: SIFT: "Tolerated"; PolyPhen-2: "Benign"; Align-GVGD: "Class C0". The serine amino acid residue is found in multiple mammalian species, which suggests that this missense change does not adversely affect protein function. In summary, the available evidence is currently insufficient to determine the role of this variant in disease. Therefore, it has been classified as a Variant of Uncertain Significance.

NM_005612.5(REST):c.2302C>T (p.Pro768Ser)

Gene: REST (RE1 silencing transcription factor; plus strand). Cytogenetic location: 4q12.
Variant type: single nucleotide variant.
Coding change: c.2302C>T on transcript NM_005612.5 (MANE Select); coding-DNA position 2302, C replaced by T.
Protein change: p.Pro768Ser; replaces proline 768 with serine.
Molecular consequence: missense variant.
Genome position (GRCh38, 1-based): chr4:56,931,160, C>T. VCF-style: chr4-56931160-C-T. GRCh37 (hg19) VCF-style: chr4-57797326-C-T.
Other names: c.2302C>T, p.Pro768Ser (NM_001193508.2, NM_001363453.3); short protein forms P768S.
Identifiers: ClinVar variation 2813362 (VCV002813362.3), dbSNP rs2475852558, ClinGen allele CA357008504.